The following is an entry in ClinVar:

NM_005732.4(RAD50):c.127A>G (p.Thr43Ala)

Gene: RAD50 (RAD50 double strand break repair protein; plus strand). Cytogenetic location: 5q31.1.
Variant type: single nucleotide variant.
Coding change: c.127A>G on transcript NM_005732.4 (MANE Select); coding-DNA position 127, A replaced by G.
Protein change: p.Thr43Ala; replaces threonine 43 with alanine.
Molecular consequence: missense variant.
Genome position (GRCh38, 1-based): chr5:132,557,451, A>G. VCF-style: chr5-132557451-A-G. GRCh37 (hg19) VCF-style: chr5-131893143-A-G.
Other names: short protein forms T43A.
Identifiers: ClinVar variation 220322 (VCV000220322.17), dbSNP rs864622474, ClinGen allele CA349832.

ClinVar aggregate classification (germline): Uncertain significance. Review status: criteria provided, multiple submitters, no conflicts (2 of 4 stars). 2 submissions from 2 submitters: Uncertain significance (2). Last evaluated 2025-10-31.

Conditions:
Hereditary cancer-predisposing syndrome. Also called: Hereditary neoplastic syndrome; Tumor predisposition; Hereditary Cancer Syndrome; Neoplastic Syndromes, Hereditary. Identifiers: Orphanet 140162, MedGen C0027672, MeSH D009386, MONDO:0015356.

Allele frequency attached by ClinVar (database versions not stated): TOPMed below 0.00001; gnomAD exomes 0.00001.
gnomAD v4.1: 7 of 1,614,146 alleles (0.00043%); highest among the groups gnomAD compares: African/African-American, 0.0013%; no homozygotes.

Submissions (2):

Ambry Genetics
Classification: Uncertain significance for Hereditary cancer-predisposing syndrome. Last evaluated: 2025-10-31. Review status: criteria provided, single submitter. Criteria: Ambry Variant Classification Scheme 2023. Collection method: clinical testing. Allele origin: germline.
Comment: The p.T43A variant (also known as c.127A>G), located in coding exon 1 of the RAD50 gene, results from an A to G substitution at nucleotide position 127. The threonine at codon 43 is replaced by alanine, an amino acid with similar properties. This amino acid position is highly conserved in available vertebrate species. In addition, this alteration is predicted to be deleterious by in silico analysis. Since supporting evidence is limited at this time, the clinical significance of p.T43A remains unclear.

Labcorp Genetics (formerly Invitae), Labcorp
Classification: Uncertain significance for Hereditary cancer-predisposing syndrome. Last evaluated: 2022-08-03. Review status: criteria provided, single submitter. Criteria: Invitae Variant Classification Sherloc (09022015). Collection method: clinical testing. Allele origin: germline.
Comment: ClinVar contains an entry for this variant (Variation ID: 220322). In summary, the available evidence is currently insufficient to determine the role of this variant in disease. Therefore, it has been classified as a Variant of Uncertain Significance. Algorithms developed to predict the effect of missense changes on protein structure and function are either unavailable or do not agree on the potential impact of this missense change (SIFT: "Deleterious"; PolyPhen-2: "Possibly Damaging"; Align-GVGD: "Class C0"). This variant has not been reported in the literature in individuals affected with RAD50-related conditions. This variant is not present in population databases (gnomAD no frequency). This sequence change replaces threonine, which is neutral and polar, with alanine, which is neutral and non-polar, at codon 43 of the RAD50 protein (p.Thr43Ala).